The following is an entry in ClinVar:

ClinVar aggregate classification (germline): Uncertain significance. Review status: criteria provided, multiple submitters, no conflicts (2 of 4 stars). 5 submissions from 5 submitters: Uncertain significance (5). Last evaluated 2025-02-07.

Conditions:
Inborn genetic diseases. Identifiers: MedGen C0950123, MeSH D030342.
Autosomal dominant limb-girdle muscular dystrophy type 1F (LGMDD2). Also called: Limb-girdle muscular dystrophy, type 1F; MUSCULAR DYSTROPHY, LIMB-GIRDLE, AUTOSOMAL DOMINANT 2. Identifiers: Orphanet 55595, MedGen C1842062, MONDO:0012034, OMIM 608423.

Allele frequency attached by ClinVar (database versions not stated): gnomAD exomes below 0.00001 and 0.00001; ExAC 0.00002; TOPMed 0.00002.
gnomAD v4.1: 11 of 1,613,812 alleles (0.00068%); highest among the groups gnomAD compares: East Asian, 0.0022%; no homozygotes.

Submissions (5):

Ambry Genetics
Classification: Uncertain significance for Inborn genetic diseases. Last evaluated: 2025-02-07. Review status: criteria provided, single submitter. Criteria: Ambry Variant Classification Scheme 2023. Collection method: clinical testing. Allele origin: germline.

Revvity Omics, Revvity
Classification: Uncertain significance for Autosomal dominant limb-girdle muscular dystrophy type 1F. Last evaluated: 2024-06-27. Review status: criteria provided, single submitter. Criteria: ACMG Guidelines, 2015. Collection method: clinical testing. Allele origin: germline.

Labcorp Genetics (formerly Invitae), Labcorp
Classification: Uncertain significance for Autosomal dominant limb-girdle muscular dystrophy type 1F. Last evaluated: 2024-04-15. Review status: criteria provided, single submitter. Criteria: Invitae Variant Classification Sherloc (09022015). Collection method: clinical testing. Allele origin: germline.
Comment: This sequence change replaces lysine, which is basic and polar, with arginine, which is basic and polar, at codon 521 of the TNPO3 protein (p.Lys521Arg). This variant is present in population databases (rs755030982, gnomAD 0.02%). This variant has not been reported in the literature in individuals affected with TNPO3-related conditions. ClinVar contains an entry for this variant (Variation ID: 452305). Advanced modeling of protein sequence and biophysical properties (such as structural, functional, and spatial information, amino acid conservation, physicochemical variation, residue mobility, and thermodynamic stability) performed at Invitae indicates that this missense variant is not expected to disrupt TNPO3 protein function with a negative predictive value of 80%. In summary, the available evidence is currently insufficient to determine the role of this variant in disease. Therefore, it has been classified as a Variant of Uncertain Significance.

GeneDx
Classification: Uncertain significance. Last evaluated: 2017-09-22. Review status: criteria provided, single submitter. Criteria: GeneDx Variant Classification (06012015). Collection method: clinical testing. Allele origin: germline. Affected: yes.
Comment: A variant of uncertain significance has been identified in the TNPO3 gene. The K521R variant has not been published as a pathogenic variant, nor has it been reported as a benign variant to our knowledge. The K521R variant is observed in 2/8622 (0.02%) alleles from individuals of East Asian background (Lek et al., 2016). The K521R variant is a conservative amino acid substitution, which is not likely to impact secondary protein structure as these residues share similar properties. However, this substitution occurs at a position that is conserved across species; in silico analysis predicts this variant is probably damaging to the protein structure/function. Therefore, based on the currently available information, it is unclear whether this variant is a pathogenic variant or a rare benign variant.

Eurofins Ntd Llc (ga)
Classification: Uncertain significance. Last evaluated: 2016-10-17. Review status: criteria provided, single submitter. Criteria: EGL Classification Definitions 2015. Collection method: clinical testing. Allele origin: germline. Observed: 1 variant allele, 1 heterozygote.

NM_012470.4(TNPO3):c.1562A>G (p.Lys521Arg)

Gene: TNPO3 (transportin 3; minus strand). Cytogenetic location: 7q32.1.
Variant type: single nucleotide variant.
Coding change: c.1562A>G on transcript NM_012470.4 (MANE Select); coding-DNA position 1562, A replaced by G.
Protein change: p.Lys521Arg; replaces lysine 521 with arginine.
Molecular consequence: missense variant. On other transcripts: non-coding transcript variant (18), intron variant (2).
Genome position (GRCh38, 1-based): chr7:128,986,857, T>C on the plus strand (A>G on the coding strand, the complement: TNPO3 is on the minus strand). VCF-style: chr7-128986857-T-C. GRCh37 (hg19) VCF-style: chr7-128626911-T-C.
Other names: c.1664A>G, p.Lys555Arg (NM_001382216.1); c.1643A>G, p.Lys548Arg (NM_001382217.1); c.1562A>G, p.Lys521Arg (NM_001382218.1, NM_001382220.1); c.1454A>G, p.Lys485Arg (NM_001382219.1); c.1418A>G, p.Lys473Arg (NM_001382221.1); c.1415A>G, p.Lys472Arg (NM_001382222.1); c.1499-2598A>G (NM_001382223.1, NM_001191028.3); short protein forms K521R, K472R, K473R, K485R, K548R, K555R.
Identifiers: ClinVar variation 452305 (VCV000452305.13), dbSNP rs755030982, ClinGen allele CA4478106.